The following is an entry in ClinVar:

ClinVar aggregate classification (germline): Uncertain significance (1 of 4 stars; one submission).

Submission:

Labcorp Genetics (formerly Invitae), Labcorp
Classification: Uncertain significance. Last evaluated: 2019-03-30. Review status: criteria provided, single submitter. Criteria: Invitae Variant Classification Sherloc (09022015). Collection method: clinical testing. Allele origin: germline.
Comment: This variant, c.636_638del, results in the deletion of 1 amino acid(s) of the SZT2 protein (p.Glu212del), but otherwise preserves the integrity of the reading frame. In summary, the available evidence is currently insufficient to determine the role of this variant in disease. Therefore, it has been classified as a Variant of Uncertain Significance. Experimental studies and prediction algorithms are not available for this variant, and the functional significance of the affected amino acid(s) is currently unknown. This variant has not been reported in the literature in individuals with SZT2-related conditions. The frequency data for this variant in the population databases is considered unreliable, as metrics indicate poor data quality at this position in the ExAC database.

NM_001365999.1(SZT2):c.633AGA[1] (p.Glu212del)

Gene: SZT2 (SZT2 subunit of KICSTOR complex; plus strand). Cytogenetic location: 1p34.2.
Variant type: Microsatellite.
Coding change: c.633AGA[1] on transcript NM_001365999.1 (MANE Select); one copy of the 3-base unit AGA starting at c.633; the reference has two copies in a row; one copy, 3 bases deleted.
Protein change: p.Glu212del; deletes glutamic acid 212.
Molecular consequence: inframe deletion.
Genome position (GRCh38, 1-based): chr1:43,415,965-43,415,967, AGA deleted; deleting any 3 consecutive bases within chr1:43,415,962-43,415,967 gives the same sequence; the position shown is the placement nearest the transcript's 3' end. VCF-style (leftmost placement, unchanged base first): chr1-43415961-CAGA-C. GRCh37 (hg19) VCF-style: chr1-43881632-CAGA-C.
Other names: c.633AGA[1], p.Glu212del (NM_015284.4); short protein forms E212del.
Identifiers: ClinVar variation 844341 (VCV000844341.9), dbSNP rs753378351, ClinGen allele CA808242.